The following is an entry in ClinVar:

ClinVar aggregate classification (germline): Conflicting classifications of pathogenicity. Review status: criteria provided, conflicting classifications (1 of 4 stars). 4 submissions from 4 submitters: Uncertain significance (3); Likely benign (1). Last evaluated 2025-10-07.

Conditions:
Arrhythmogenic cardiomyopathy with wooly hair and keratoderma. Also called: Arrhythmogenic cardiomyopathy with woolly hair and keratoderma; Carvajal syndrome; PALMOPLANTAR KERATODERMA WITH LEFT VENTRICULAR CARDIOMYOPATHY AND WOOLLY HAIR; Dilated cardiomyopathy with woolly hair and keratoderma. Identifiers: Orphanet 65282, MedGen C1854063, MONDO:0011581, OMIM 605676.
Arrhythmogenic right ventricular dysplasia 8 (ARVD8). Also called: Arrhythmogenic Right Ventricular Dysplasia/Cardiomyopathy 8; ARRHYTHMOGENIC RIGHT VENTRICULAR DYSPLASIA, FAMILIAL, 8; ARRHYTHMOGENIC RIGHT VENTRICULAR CARDIOMYOPATHY 8. Identifiers: MedGen C1843896, MONDO:0011831, OMIM 607450.
Cardiomyopathy (CMYO). Also called: Cardiomyopathies. Identifiers: Orphanet 167848, MedGen C0878544, MONDO:0004994, HP:0001638. Inheritance: Various modes of inheritance.

Allele frequency attached by ClinVar (database versions not stated): gnomAD exomes below 0.00001; TOPMed below 0.00001; ExAC 0.00001.
gnomAD v4.1: 1 of 1,614,180 alleles (0.000062%); highest among the groups gnomAD compares: South Asian, 0.0011%; no homozygotes.

Submissions (4):

Labcorp Genetics (formerly Invitae), Labcorp
Classification: Likely benign for Arrhythmogenic cardiomyopathy with wooly hair and keratoderma; Arrhythmogenic right ventricular dysplasia 8. Last evaluated: 2025-10-07. Review status: criteria provided, single submitter. Criteria: Invitae Variant Classification Sherloc (09022015). Collection method: clinical testing. Allele origin: germline.

GeneDx
Classification: Uncertain significance. Last evaluated: 2025-05-30. Review status: criteria provided, single submitter. Criteria: GeneDx Variant Classification Process June 2021. Collection method: clinical testing. Allele origin: germline. Affected: yes.
Comment: Not observed at significant frequency in large population cohorts (gnomAD); In silico analysis suggests that this missense variant does not alter protein structure/function; Has not been previously published as pathogenic or benign to our knowledge

All of Us Research Program, National Institutes of Health
Classification: Uncertain significance for Arrhythmogenic cardiomyopathy with wooly hair and keratoderma. Last evaluated: 2024-05-14. Review status: criteria provided, single submitter. Criteria: ACMG Guidelines, 2015. Collection method: clinical testing. Allele origin: germline. Inheritance: Autosomal dominant inheritance. Observed: 1 variant allele, 1 heterozygote.
Comment: This missense variant replaces aspartic acid with glutamic acid at codon 521 of the DSP protein. Computational prediction suggests that this variant may not impact protein structure and function (internally defined REVEL score threshold <= 0.5, PMID: 27666373). To our knowledge, functional studies have not been reported for this variant. This variant has not been reported in individuals affected with cardiovascular disorders in the literature. This variant has been identified in 1/251400 chromosomes in the general population by the Genome Aggregation Database (gnomAD). The available evidence is insufficient to determine the role of this variant in disease conclusively. Therefore, this variant is classified as a Variant of Uncertain Significance.

This study involves interpretation of variants in research participants for the purpose of population health screening. Participant phenotype was not available at the time of variant classification. Additional details can be found in publication PMID: 35346344, PMCID: PMC8962531

Color Diagnostics, LLC DBA Color Health
Classification: Uncertain significance for Cardiomyopathy. Last evaluated: 2024-03-06. Review status: criteria provided, single submitter. Criteria: ACMG Guidelines, 2015. Collection method: clinical testing. Allele origin: germline.
Comment: This missense variant replaces aspartic acid with glutamic acid at codon 521 of the DSP protein. Computational prediction suggests that this variant may not impact protein structure and function (internally defined REVEL score threshold <= 0.5, PMID: 27666373). To our knowledge, functional studies have not been reported for this variant. This variant has not been reported in individuals affected with cardiovascular disorders in the literature. This variant has been identified in 1/251400 chromosomes in the general population by the Genome Aggregation Database (gnomAD). The available evidence is insufficient to determine the role of this variant in disease conclusively. Therefore, this variant is classified as a Variant of Uncertain Significance.

NM_004415.4(DSP):c.1563C>A (p.Asp521Glu)

Gene: DSP (desmoplakin; plus strand). Cytogenetic location: 6p24.3.
Variant type: single nucleotide variant.
Coding change: c.1563C>A on transcript NM_004415.4 (MANE Select); coding-DNA position 1563, C replaced by A.
Protein change: p.Asp521Glu; replaces aspartic acid 521 with glutamic acid.
Molecular consequence: missense variant.
Genome position (GRCh38, 1-based): chr6:7,569,329, C>A. VCF-style: chr6-7569329-C-A. GRCh37 (hg19) VCF-style: chr6-7569562-C-A.
Other names: c.1563C>A, p.Asp521Glu (NM_001008844.3, NM_001319034.2); c.1563C>A (NM_004415.2); short protein forms D521E.
Identifiers: ClinVar variation 1368169 (VCV001368169.10), dbSNP rs113378925, ClinGen allele CA028725.